The following is an entry in ClinVar:

ClinVar aggregate classification (germline): Benign/Likely benign. Review status: criteria provided, multiple submitters, no conflicts (2 of 4 stars). 12 submissions from 10 submitters: Benign (3); Likely benign (8). 1 of the submissions does not count toward it. Last evaluated 2026-01-20.

Conditions:
Ichthyosis, hystrix-like, with hearing loss. Also called: Hystrix-like ichthyosis with deafness. Identifiers: Orphanet 477, MedGen C1865234, MONDO:0011245.
Palmoplantar keratoderma-deafness syndrome. Also called: Keratoderma palmoplantar, with deafness; Palmoplantar keratoderma and sensorineural deafness; Hereditary palmoplantar keratoderma with deafness (subtype); Focal palmoplantar keratoderma with sensorineural deafness (subtype); Diffuse palmoplantar keratoderma with deafness (subtype). Identifiers: Orphanet 2202, MedGen C1835672, MONDO:0007852, OMIM 148350.
Knuckle pads, deafness AND leukonychia syndrome. Also called: Bart-Pumphrey syndrome. Identifiers: Orphanet 2698, MedGen C0266004, MONDO:0007866, OMIM 149200.
X-linked mixed hearing loss with perilymphatic gusher. Also called: Gusher syndrome; NANCE DEAFNESS; PERILYMPHATIC GUSHER-DEAFNESS SYNDROME; SENSORINEURAL DEAFNESS, PROFOUND, WITH OR WITHOUT A CONDUCTIVE COMPONENT, ASSOCIATED WITH A UNIQUE DEVELOPMENTAL ABNORMALITY OF THE EAR; Deafness, X-linked 2. Identifiers: Orphanet 383, MedGen C1844678, MONDO:0010576, OMIM 304400.
Mutilating keratoderma (VOWNKL). Also called: Keratoderma hereditarium mutilans. Identifiers: Orphanet 494, MedGen C0265964, MONDO:0007422, OMIM 124500.
Autosomal recessive nonsyndromic hearing loss 1A (DFNB1A). Also called: Connexin 26 deafness; Deafness nonsyndromic, Connexin 26 linked; GJB6-Related DFNB 1 Nonsyndromic Hearing Loss and Deafness; Deafness, autosomal recessive 1A; Nonsyndromic Hearing Loss and Deafness, DFNB1; GJB2-Related Autosomal Recessive Nonsyndromic Hearing Loss. Identifiers: Orphanet 90636, MedGen C2673759, MONDO:0009076, OMIM 220290.
Autosomal dominant keratitis-ichthyosis-hearing loss syndrome. Also called: Senter syndrome; KID SYNDROME, AUTOSOMAL DOMINANT; HID SYNDROME. Identifiers: Orphanet 477, MedGen C0265336, MONDO:0007850, OMIM 148210.
Autosomal dominant nonsyndromic hearing loss 3A. Identifiers: Orphanet 90635, MedGen C2675750, MONDO:0011103, OMIM 601544.

Allele frequency attached by ClinVar (database versions not stated): gnomAD exomes 0.00019 and 0.00051; ExAC 0.00055; 1000 Genomes Project 30x 0.00172; gnomAD 0.00014 and 0.00021; ESP Exome Variant Server 0.00015; TOPMed 0.00028; 1000 Genomes Project 0.00180.

Submissions 1 to 11 of 12:

Labcorp Genetics (formerly Invitae), Labcorp
Classification: Benign. Last evaluated: 2026-01-20. Review status: criteria provided, single submitter. Criteria: Invitae Variant Classification Sherloc (09022015). Collection method: clinical testing. Allele origin: germline.

Fulgent Genetics
Classification: Likely benign for Mutilating keratoderma; Autosomal dominant keratitis-ichthyosis-hearing loss syndrome; Palmoplantar keratoderma-deafness syndrome; Knuckle pads, deafness AND leukonychia syndrome; Autosomal recessive nonsyndromic hearing loss 1A; X-linked mixed hearing loss with perilymphatic gusher; Autosomal dominant nonsyndromic hearing loss 3A. Last evaluated: 2021-09-01. Review status: criteria provided, single submitter. Criteria: ACMG Guidelines, 2015. Collection method: clinical testing. Allele origin: unknown.

GeneDx
Classification: Likely benign. Last evaluated: 2020-10-22. Review status: criteria provided, single submitter. Criteria: GeneDx Variant Classification Process June 2021. Collection method: clinical testing. Allele origin: germline. Affected: yes.
Comment: This variant is associated with the following publications: (PMID: 15504600, 19043807, 12792423, 15700112, 16380907, 12172394, 22613756, 12560944, 20497192, 31992338, 28900111, 19715472, 30245029, 25262649, 25266519, 10983956, 20607074, 19366456, 14985372, 23638949, 23826813, 17041943, 25388846, 22384008, 22695344, 25493717, 17666888, 20593197, 21162657)

Women's Health and Genetics/Laboratory Corporation of America, LabCorp
Classification: Benign. Last evaluated: 2019-05-06. Review status: criteria provided, single submitter. Criteria: LabCorp Variant Classification Summary - May 2015. Collection method: clinical testing. Allele origin: germline.
Comment: Variant summary: GJB2 c.368C>A (p.Thr123Asn) results in a non-conservative amino acid change located in the central part of the cytoplasmic loop (CL) domain (Locke 2009) of the encoded protein sequence. Four of five in-silico tools predict a benign effect of the variant on protein function. One study indicates potential phosphorylation at this residue, however the functional significance of this post-translational modification is unknown (Locke 2009). The variant allele was found at a frequency of 0.00059 in 255584 control chromosomes, predominantly observed in the East Asian subpopulation at a frequency of 0.0065 in the gnomAD database, including 1 homozygote. This frequency is lower than the estimated maximal expected allele frequency of a pathogenic GJB2 variant (0.025) (when considering autosomal recessive inheritance). However, in certain East Asian subpopulations even higher occurrences were reported e.g. in Koreans it was found at a frequency of 0.01 (gnomAD 2.1); that suggests the variant is likely a benign polymorphism found primarily in the populations of East Asian origin. This variant has been reported in multiple nonsyndromic sensorineural hearing loss (NSHL) patients (mainly East Asian ethnicity) without strong evidence for causality. The high occurrence in controls and the co-occurrence of other GJB2 disease variants in at least 2 patients argue against a potential dominant inheritance pattern (Dai 2009, Wu 2016). Many studies have reported the variant in patients with comparable frequencies (or lower than) detected in controls (e.g. Dai 2009, Nishio 2017), supporting the benign nature of this variant. A co-occurrence with a pathogenic variant (c.235delC) in trans was reported in a normal-hearing carrier (He 2017); further supporting a benign role for the variant. Though some studies raised the possibility that this variant can contribute to multigenic disorders, postulating that a combination of this variant with heterozygous alterations in other genes may be implicated in deafness (Chow 2017, Wu 2016), they provided no convincing evidence for the causative relationship. Two other clinical diagnostic laboratories have submitted clinical-significance assessments for this variant to ClinVar after 2014 without evidence for independent evaluation, and both of these laboratories classified the variant as likely benign. Based on the evidence outlined above, the variant was classified as benign.

Illumina Laboratory Services, Illumina
Classification: Likely benign for Autosomal dominant keratitis-ichthyosis-hearing loss syndrome. Last evaluated: 2017-04-27. Review status: criteria provided, single submitter. Criteria: ICSL Variant Classification Criteria 13 December 2019. Collection method: clinical testing. Allele origin: germline.
Comment: This variant was observed as part of a predisposition screen in an ostensibly healthy population. A literature search was performed for the gene, cDNA change, and amino acid change (where applicable). No publications were found based on this search. Allele frequency data from public databases allowed determination this variant is unlikely to cause disease. Therefore, this variant is classified as likely benign.

Illumina Laboratory Services, Illumina
Classification: Likely benign for Autosomal dominant nonsyndromic hearing loss 3A. Last evaluated: 2017-04-27. Review status: criteria provided, single submitter. Criteria: ICSL Variant Classification Criteria 13 December 2019. Collection method: clinical testing. Allele origin: germline.
Comment: the same text as in the submission from Illumina Laboratory Services, Illumina above.

Illumina Laboratory Services, Illumina
Classification: Likely benign for Autosomal recessive nonsyndromic hearing loss 1A. Last evaluated: 2017-04-27. Review status: criteria provided, single submitter. Criteria: ICSL Variant Classification Criteria 13 December 2019. Collection method: clinical testing. Allele origin: germline.
Comment: This variant was observed as part of a predisposition screen in an ostensibly healthy population. A literature search was performed for the gene, cDNA change, and amino acid change (where applicable). Publications were found based on this search. The evidence from the literature, in combination with allele frequency data from public databases where available, was sufficient to determine this variant is unlikely to cause disease. Therefore, this variant is classified as likely benign.

Eurofins Ntd Llc (ga)
Classification: Likely benign. Last evaluated: 2016-06-10. Review status: criteria provided, single submitter. Criteria: EGL Classification Definitions 2015. Collection method: clinical testing. Allele origin: germline. Observed: 1 variant allele, 1 heterozygote.

Laboratory for Molecular Medicine, Mass General Brigham Personalized Medicine
Classification: Likely benign. Last evaluated: 2011-06-09. Review status: criteria provided, single submitter. Criteria: LMM Criteria. Collection method: clinical testing. Allele origin: germline. Observed: 3 variant alleles.
Comment: Thr123Asn in exon 2 of GJB2: This variant has been previously reported in patien ts with hearing loss as well as in control subjects as a rare polymorphism (Park 2000, Tang 2006, Cryns 2004, Dai 2009, Hwa 2003, Oguchi 2005, Ohtsuka 2003, Shi 2004, Snoeckx 2005). The allele frequencies of this variant are higher in the c ontrol group (~0.9%) than in the patient group (~0.4%), suggesting that this var iant does not have clinical significance.

Baylor-Hopkins Center for Mendelian Genomics, Johns Hopkins University School of Medicine
Classification: Likely benign for Autosomal dominant nonsyndromic hearing loss 3A. Review status: criteria provided, single submitter. Criteria: ACMG Guidelines, 2015. Collection method: research. Allele origin: unknown. Affected: yes. Observed: 1 variant allele, 1 heterozygote.
Comment: Another GJB variant (NM_004004.6:c.428G>A) was present in both individuals with the condition.

PreventionGenetics, part of Exact Sciences
Classification: Benign. Review status: criteria provided, single submitter. Criteria: ACMG Guidelines, 2015. Collection method: clinical testing. Allele origin: germline.

NM_004004.6(GJB2):c.368C>A (p.Thr123Asn)

Gene: GJB2 (gap junction protein beta 2; minus strand). Cytogenetic location: 13q12.11.
Variant type: single nucleotide variant.
Coding change: c.368C>A on transcript NM_004004.6 (MANE Select); coding-DNA position 368, C replaced by A.
Protein change: p.Thr123Asn; replaces threonine 123 with asparagine.
Molecular consequence: missense variant.
Genome position (GRCh38, 1-based): chr13:20,189,214, G>T on the plus strand (C>A on the coding strand, the complement: GJB2 is on the minus strand). VCF-style: chr13-20189214-G-T. GRCh37 (hg19) VCF-style: chr13-20763353-G-T.
Other names: short protein forms T123N.
Identifiers: ClinVar variation 44743 (VCV000044743.31), dbSNP rs111033188, ClinGen allele CA134964.
Genomic context (GRCh38, chr13:20,189,214, plus strand): 5'-CGGAAGAAGATGCTGCTTGTGTAGGTCCACCACAGGGAGCCTTCGATGCGGACCTTCTGG[G>T]TTTTGATCTCCTCGATGTCCTTAAATTCACTCTTTATCTCCCCCTTGATGAACTTCCTCT-3'
Protein context (NP_003995.2, residues 113-133): SEFKDIEEIK[Thr123Asn]QKVRIEGSLW